The following is an entry in ClinVar:

NM_000264.5(PTCH1):c.395-276_395-275insT

Gene: PTCH1 (patched 1; minus strand). Cytogenetic location: 9q22.32.
Variant type: Insertion.
Coding change: c.395-276_395-275insT on transcript NM_000264.5 (MANE Select); 276 bases into the intron before coding-DNA position 395 through 275 bases into the intron before coding-DNA position 395, T inserted.
Molecular consequence: intron variant.
Genome position: GRCh38 VCF-style: chr9-95486149-G-GA. GRCh37 (hg19) VCF-style: chr9-98248431-G-GA.
Other names: c.392-276_392-275insT (NM_001083603.3); c.197-276_197-275insT (NM_001083602.3, NM_001354919.2); c.395-276_395-275insT (NM_001354918.2); c.-59-276_-59-275insT (NM_001083605.3, NM_001083604.3, NM_001083606.3 and 1 more transcripts).
Identifiers: ClinVar variation 683961 (VCV000683961.1), dbSNP rs3215874, ClinGen allele CA196537355.

ClinVar aggregate classification (germline): Benign (1 of 4 stars; one submission).

Allele frequency attached by ClinVar (database versions not stated): 1000 Genomes Project 30x 0.09322; 1000 Genomes Project 0.09345; gnomAD 0.10878 and 0.11241; TOPMed 0.10915.

Submission:

GeneDx
Classification: Benign. Last evaluated: 2018-06-14. Review status: criteria provided, single submitter. Criteria: GeneDx Variant Classification (06012015). Collection method: clinical testing. Allele origin: germline. Affected: yes.
Comment: This variant is considered likely benign or benign based on one or more of the following criteria: it is a conservative change, it occurs at a poorly conserved position in the protein, it is predicted to be benign by multiple in silico algorithms, and/or has population frequency not consistent with disease.